The following is an entry in ClinVar:

ClinVar aggregate classification (germline): Uncertain significance. Review status: criteria provided, multiple submitters, no conflicts (2 of 4 stars). 2 submissions from 2 submitters: Uncertain significance (2). Last evaluated 2026-01-16.

Conditions:
Primary ciliary dyskinesia. Also called: Ciliary dyskinesia. Identifiers: Orphanet 244, MedGen C0008780, MONDO:0016575, HP:0012265.
DNAH5-related disorder. Also called: DNAH5-related condition.
Primary ciliary dyskinesia 3. Identifiers: Orphanet 244, MedGen C1837618, MONDO:0012085, OMIM 608644.

Allele frequency attached by ClinVar (database versions not stated): TOPMed below 0.00001; ExAC 0.00001; gnomAD exomes 0.00001 and 0.00002.
gnomAD v4.1: 25 of 1,613,530 alleles (0.0015%); highest among the groups gnomAD compares: Non-Finnish European, 0.002%; no homozygotes.

Submissions (2):

PreventionGenetics, part of Exact Sciences
Classification: Uncertain significance for DNAH5-related condition. Last evaluated: 2026-01-16. Review status: criteria provided, single submitter. Criteria: ACMG Guidelines, 2015. Collection method: clinical testing. Allele origin: germline.
Comment: The DNAH5 c.9001A>G variant is predicted to result in the amino acid substitution p.Thr3001Ala. To our knowledge, this variant has not been reported in the literature. This variant is reported in 0.0018% of alleles in individuals of European (Non-Finnish) descent in gnomAD. At this time, the clinical significance of this variant is uncertain due to the absence of conclusive functional and genetic evidence.

Labcorp Genetics (formerly Invitae), Labcorp
Classification: Uncertain significance for Primary ciliary dyskinesia. Last evaluated: 2021-11-11. Review status: criteria provided, single submitter. Criteria: Invitae Variant Classification Sherloc (09022015). Collection method: clinical testing. Allele origin: germline.
Comment: This sequence change replaces threonine, which is neutral and polar, with alanine, which is neutral and non-polar, at codon 3001 of the DNAH5 protein (p.Thr3001Ala). This variant is present in population databases (rs780283468, gnomAD 0.003%). This variant has not been reported in the literature in individuals affected with DNAH5-related conditions. Advanced modeling of protein sequence and biophysical properties (such as structural, functional, and spatial information, amino acid conservation, physicochemical variation, residue mobility, and thermodynamic stability) performed at Invitae indicates that this missense variant is not expected to disrupt DNAH5 protein function. In summary, the available evidence is currently insufficient to determine the role of this variant in disease. Therefore, it has been classified as a Variant of Uncertain Significance.

NM_001369.3(DNAH5):c.9001A>G (p.Thr3001Ala)

Gene: DNAH5 (dynein axonemal heavy chain 5; minus strand). Cytogenetic location: 5p15.2.
Variant type: single nucleotide variant.
Coding change: c.9001A>G on transcript NM_001369.3 (MANE Select); coding-DNA position 9001, A replaced by G.
Protein change: p.Thr3001Ala; replaces threonine 3001 with alanine.
Molecular consequence: missense variant.
Genome position (GRCh38, 1-based): chr5:13,777,306, T>C on the plus strand (A>G on the coding strand, the complement: DNAH5 is on the minus strand). VCF-style: chr5-13777306-T-C. GRCh37 (hg19) VCF-style: chr5-13777415-T-C.
Other names: c.9001A>G (NM_001369.2); short protein forms T3001A.
Identifiers: ClinVar variation 1347232 (VCV001347232.5), dbSNP rs780283468, ClinGen allele CA3202639.